The following is an entry in ClinVar:

NM_005236.3(ERCC4):c.*3195G>A

Gene: ERCC4 (ERCC excision repair 4, endonuclease catalytic subunit; plus strand). Cytogenetic location: 16p13.12.
Variant type: single nucleotide variant.
Coding change: c.*3195G>A on transcript NM_005236.3 (MANE Select); 3195 bases downstream of the stop codon, G replaced by A.
Molecular consequence: 3 prime UTR variant.
Genome position (GRCh38, 1-based): chr16:13,951,542, G>A. VCF-style: chr16-13951542-G-A. GRCh37 (hg19) VCF-style: chr16-14045399-G-A.
Identifiers: ClinVar variation 317868 (VCV000317868.6), dbSNP rs4781563, ClinGen allele CA10647794.

ClinVar aggregate classification (germline): Benign. Review status: criteria provided, multiple submitters, no conflicts (2 of 4 stars). 2 submissions from 2 submitters: Benign (2). Last evaluated 2018-01-12.

Conditions:
Xeroderma pigmentosum, group F (XPF). Also called: XERODERMA PIGMENTOSUM, COMPLEMENTATION GROUP F; XERODERMA PIGMENTOSUM VI; XP, GROUP F; ERCC4-Related Xeroderma Pigmentosum; XERODERMA PIGMENTOSUM, TYPE F; Xeroderma pigmentosum, type 6. Identifiers: MedGen C0268140, MONDO:0010215, OMIM 278760.

Allele frequency attached by ClinVar (database versions not stated): 1000 Genomes Project 30x 0.20300; 1000 Genomes Project 0.21386; gnomAD exomes 0.26437; TOPMed 0.22821; gnomAD 0.23275 and 0.23343.

Submissions (2):

Illumina Laboratory Services, Illumina
Classification: Benign for Xeroderma pigmentosum, group F. Last evaluated: 2018-01-12. Review status: criteria provided, single submitter. Criteria: ICSL Variant Classification Criteria 13 December 2019. Collection method: clinical testing. Allele origin: germline.
Comment: This variant was observed in the ICSL laboratory as part of a predisposition screen in an ostensibly healthy population. It had not been previously curated by ICSL or reported in the Human Gene Mutation Database (HGMD: prior to June 1st, 2018), and was therefore a candidate for classification through an automated scoring system. Utilizing variant allele frequency, disease prevalence and penetrance estimates, and inheritance mode, an automated score was calculated to assess if this variant is too frequent to cause the disease. Based on the score and internal cut-off values, a variant classified as benign is not then subjected to further curation. The score for this variant resulted in a classification of benign for this disease.

Breakthrough Genomics
Classification: Benign. Review status: criteria provided, single submitter. Criteria: ACMG Guidelines, 2015. Collection method: not provided. Allele origin: germline. Inheritance: Autosomal recessive inheritance. Affected: yes.